The following is an entry in ClinVar:

NM_025099.6(CTC1):c.855A>C (p.Glu285Asp)

Gene: CTC1 (CST telomere replication complex component 1; minus strand). Cytogenetic location: 17p13.1.
Variant type: single nucleotide variant.
Coding change: c.855A>C on transcript NM_025099.6 (MANE Select); coding-DNA position 855, A replaced by C.
Protein change: p.Glu285Asp; replaces glutamic acid 285 with aspartic acid.
Molecular consequence: missense variant. On other transcripts: non-coding transcript variant (1).
Genome position (GRCh38, 1-based): chr17:8,236,280, T>G on the plus strand (A>C on the coding strand, the complement: CTC1 is on the minus strand). VCF-style: chr17-8236280-T-G. GRCh37 (hg19) VCF-style: chr17-8139598-T-G.
Other names: short protein forms E285D.
Identifiers: ClinVar variation 855402 (VCV000855402.7), dbSNP rs1987719230, ClinGen allele CA397988878.
Genomic context (GRCh38, chr17:8,236,280, plus strand): 5'-GGAGGACTGACTGGTCATCCAAACATGCTGGCGCTGACCACGGATCTTGGACACTCGCAG[T>G]TCTGTCAGCACATAGGCTGTACCAGGCCGAAGGGCTCTGTGCCACACCAGCTGGGCAGGG-3'
Protein context (NP_079375.3, residues 275-295): LRPGTAYVLT[Glu285Asp]LRVSKIRGQR

ClinVar aggregate classification (germline): Uncertain significance (1 of 4 stars; one submission).

Conditions:
Dyskeratosis congenita. Identifiers: Orphanet 1775, MedGen C0265965, MONDO:0015780.

Allele frequency attached by ClinVar (database versions not stated): gnomAD exomes below 0.00001; gnomAD 0.00001; TOPMed 0.00001.
gnomAD v4.1: 7 of 1,613,598 alleles (0.00043%); highest among the groups gnomAD compares: African/African-American, 0.0013%; no homozygotes.

Submission:

Labcorp Genetics (formerly Invitae), Labcorp
Classification: Uncertain significance for Dyskeratosis congenita. Last evaluated: 2021-08-24. Review status: criteria provided, single submitter. Criteria: Invitae Variant Classification Sherloc (09022015). Collection method: clinical testing. Allele origin: germline.
Comment: This sequence change replaces glutamic acid with aspartic acid at codon 285 of the CTC1 protein (p.Glu285Asp). The glutamic acid residue is weakly conserved and there is a small physicochemical difference between glutamic acid and aspartic acid. This variant is not present in population databases (ExAC no frequency). This variant has not been reported in the literature in individuals affected with CTC1-related conditions. Algorithms developed to predict the effect of missense changes on protein structure and function (SIFT, PolyPhen-2, Align-GVGD) all suggest that this variant is likely to be tolerated. In summary, the available evidence is currently insufficient to determine the role of this variant in disease. Therefore, it has been classified as a Variant of Uncertain Significance.